The following is an entry in ClinVar:

NM_001080517.3(SETD5):c.4043C>T (p.Thr1348Ile)

Gene: SETD5 (SET domain containing 5; plus strand). Cytogenetic location: 3p25.3.
Variant type: single nucleotide variant.
Coding change: c.4043C>T on transcript NM_001080517.3 (MANE Select); coding-DNA position 4043, C replaced by T.
Protein change: p.Thr1348Ile; replaces threonine 1348 with isoleucine.
Molecular consequence: missense variant.
Genome position (GRCh38, 1-based): chr3:9,475,805, C>T. VCF-style: chr3-9475805-C-T. GRCh37 (hg19) VCF-style: chr3-9517489-C-T.
Other names: c.3749C>T, p.Thr1250Ile (NM_001292043.2, NM_001349451.2); c.4139C>T, p.Thr1380Ile (NM_001437633.1); c.4157C>T, p.Thr1386Ile (NM_001437635.1); c.4100C>T, p.Thr1367Ile (NM_001437643.1); c.4082C>T, p.Thr1361Ile (NM_001437701.1); short protein forms T1250I, T1380I, T1348I, T1361I, T1367I, T1386I.
Identifiers: ClinVar variation 4763876 (VCV004763876.1).

ClinVar aggregate classification (germline): Uncertain significance (1 of 4 stars; one submission).

gnomAD v4.1: 8 of 1,613,916 alleles (0.0005%); highest among the groups gnomAD compares: Non-Finnish European, 0.00068%; no homozygotes.

Submission:

Labcorp Genetics (formerly Invitae), Labcorp
Classification: Uncertain significance. Last evaluated: 2025-08-31. Review status: criteria provided, single submitter. Criteria: Invitae Variant Classification Sherloc (09022015). Collection method: clinical testing. Allele origin: germline.
Comment: This sequence change replaces threonine, which is neutral and polar, with isoleucine, which is neutral and non-polar, at codon 1348 of the SETD5 protein (p.Thr1348Ile). This variant is present in population databases (no rsID available, gnomAD 0.0009%). This variant has not been reported in the literature in individuals affected with SETD5-related conditions. Invitae Evidence Modeling of protein sequence and biophysical properties (such as structural, functional, and spatial information, amino acid conservation, physicochemical variation, residue mobility, and thermodynamic stability) indicates that this missense variant is not expected to disrupt SETD5 protein function with a negative predictive value of 80%. In summary, the available evidence is currently insufficient to determine the role of this variant in disease. Therefore, it has been classified as a Variant of Uncertain Significance.